The following is an entry in ClinVar:

NM_019040.5(ELP4):c.1023T>G (p.Tyr341Ter)

Genes: ELP4 (elongator acetyltransferase complex subunit 4; plus strand), PAX6DRR (PAX6 downstream regulatory region; plus strand). Cytogenetic location: 11p13.
Variant type: single nucleotide variant.
Coding change: c.1023T>G on transcript NM_019040.5 (MANE Select); coding-DNA position 1023, T replaced by G.
Protein change: p.Tyr341Ter; replaces tyrosine 341 with a stop codon.
Molecular consequence: nonsense.
Genome position (GRCh38, 1-based): chr11:31,647,836, T>G. VCF-style: chr11-31647836-T-G. GRCh37 (hg19) VCF-style: chr11-31669384-T-G.
Other names: c.1026T>G, p.Tyr342Ter (NM_001288725.2); c.1023T>G, p.Tyr341Ter (NM_001288726.2); short protein forms Y341*, Y342*.
Identifiers: ClinVar variation 1032057 (VCV001032057.1), dbSNP rs1945237259, ClinGen allele CA380099536.
Genomic context (GRCh38, chr11:31,647,836, plus strand): 5'-AGATGTAGTAGTTGGTCTGGAATCATTTATTGGTTCTGAGAGAGAAACTAACCCATTGTA[T>G]AAGGATTATCATGGTAAGTACAACCTTCATAATGAGAAGAGCAGGAGCAGGCTGCTTCTA-3'

ClinVar aggregate classification (germline): Uncertain significance (1 of 4 stars; one submission).

Conditions:
Aniridia 2 (AN2). Also called: ANIRIDIA II. Identifiers: MedGen C0344543, MONDO:0014937, OMIM 617141.

Allele frequency attached by ClinVar (database versions not stated): gnomAD exomes 0.00001.
gnomAD v4.1: 16 of 1,591,464 alleles (0.001%); highest among the groups gnomAD compares: Non-Finnish European, 0.0014%; no homozygotes.

Submission:

Baylor Genetics
Classification: Uncertain significance for Aniridia 2. Last evaluated: 2018-05-11. Review status: criteria provided, single submitter. Criteria: ACMG Guidelines, 2015. Collection method: clinical testing. Allele origin: paternal. Affected: yes.
Comment: This variant was determined to be of uncertain significance according to ACMG Guidelines, 2015 [PMID:25741868]. Microdeletions of ELP4 have been previously associated with language impairment, autism spectrum disorder, and mental retardation [PMID: 26010655]

Literature cited by the submitters: PubMed 26010655.